The following is an entry in ClinVar:

ClinVar aggregate classification (germline): Uncertain significance (1 of 4 stars; one submission).

Conditions:
Combined oxidative phosphorylation defect type 17. Also called: Combined oxidative phosphorylation deficiency 17. Identifiers: Orphanet 369913, MedGen C3809526, MONDO:0014190, OMIM 615440.

Submission:

Labcorp Genetics (formerly Invitae), Labcorp
Classification: Uncertain significance for Combined oxidative phosphorylation defect type 17. Last evaluated: 2022-01-11. Review status: criteria provided, single submitter. Criteria: Invitae Variant Classification Sherloc (09022015). Collection method: clinical testing. Allele origin: germline.
Comment: This variant is not present in population databases (gnomAD no frequency). This variant has not been reported in the literature in individuals affected with ELAC2-related conditions. Algorithms developed to predict the effect of missense changes on protein structure and function (SIFT, PolyPhen-2, Align-GVGD) all suggest that this variant is likely to be tolerated. In summary, the available evidence is currently insufficient to determine the role of this variant in disease. Therefore, it has been classified as a Variant of Uncertain Significance. This sequence change replaces arginine, which is basic and polar, with threonine, which is neutral and polar, at codon 430 of the ELAC2 protein (p.Arg430Thr).

NM_018127.7(ELAC2):c.1289G>C (p.Arg430Thr)

Gene: ELAC2 (elaC ribonuclease Z 2; minus strand). Cytogenetic location: 17p12.
Variant type: single nucleotide variant.
Coding change: c.1289G>C on transcript NM_018127.7 (MANE Select); coding-DNA position 1289, G replaced by C.
Protein change: p.Arg430Thr; replaces arginine 430 with threonine.
Molecular consequence: missense variant.
Genome position (GRCh38, 1-based): chr17:13,002,289, C>G on the plus strand (G>C on the coding strand, the complement: ELAC2 is on the minus strand). VCF-style: chr17-13002289-C-G. GRCh37 (hg19) VCF-style: chr17-12905606-C-G.
Other names: c.1169G>C, p.Arg390Thr (NM_001165962.2); c.1286G>C, p.Arg429Thr (NM_173717.2); short protein forms R429T, R390T, R430T.
Identifiers: ClinVar variation 2078617 (VCV002078617.4), dbSNP rs2508280991, ClinGen allele CA398225128.